The following is an entry in ClinVar:

NM_000843.4(GRM6):c.823G>A (p.Gly275Ser)

Gene: GRM6 (glutamate metabotropic receptor 6; minus strand). Cytogenetic location: 5q35.3.
Variant type: single nucleotide variant.
Coding change: c.823G>A on transcript NM_000843.4 (MANE Select); coding-DNA position 823, G replaced by A.
Protein change: p.Gly275Ser; replaces glycine 275 with serine.
Molecular consequence: missense variant.
Genome position (GRCh38, 1-based): chr5:178,991,458, C>T on the plus strand (G>A on the coding strand, the complement: GRM6 is on the minus strand). VCF-style: chr5-178991458-C-T. GRCh37 (hg19) VCF-style: chr5-178418459-C-T.
Other names: short protein forms G275S.
Identifiers: ClinVar variation 2015798 (VCV002015798.4), dbSNP rs1406422220, ClinGen allele CA362432847.

ClinVar aggregate classification (germline): Uncertain significance (1 of 4 stars; one submission).

Allele frequency attached by ClinVar (database versions not stated): gnomAD exomes 0.00001; TOPMed 0.00001.
gnomAD v4.1: 10 of 1,613,970 alleles (0.00062%); highest among the groups gnomAD compares: South Asian, 0.0099%; no homozygotes.

Submission:

Labcorp Genetics (formerly Invitae), Labcorp
Classification: Uncertain significance. Last evaluated: 2022-10-24. Review status: criteria provided, single submitter. Criteria: Invitae Variant Classification Sherloc (09022015). Collection method: clinical testing. Allele origin: germline.
Comment: In summary, the available evidence is currently insufficient to determine the role of this variant in disease. Therefore, it has been classified as a Variant of Uncertain Significance. Advanced modeling of protein sequence and biophysical properties (such as structural, functional, and spatial information, amino acid conservation, physicochemical variation, residue mobility, and thermodynamic stability) performed at Invitae indicates that this missense variant is not expected to disrupt GRM6 protein function. This variant has not been reported in the literature in individuals affected with GRM6-related conditions. This variant is present in population databases (no rsID available, gnomAD 0.003%). This sequence change replaces glycine, which is neutral and non-polar, with serine, which is neutral and polar, at codon 275 of the GRM6 protein (p.Gly275Ser).